The following is an entry in ClinVar:

ClinVar aggregate classification (germline): Uncertain significance. Review status: criteria provided, multiple submitters, no conflicts (2 of 4 stars). 2 submissions from 2 submitters: Uncertain significance (2). Last evaluated 2026-02-17.

Conditions:
Oligodontia-cancer predisposition syndrome. Also called: TOOTH AGENESIS-COLORECTAL CANCER SYNDROME. Identifiers: Orphanet 300576, MedGen C1837750, MONDO:0012075, OMIM 608615. Disease mechanism: loss of function.
Hereditary cancer-predisposing syndrome. Also called: Tumor predisposition; Neoplastic Syndromes, Hereditary; Hereditary Cancer Syndrome; Hereditary neoplastic syndrome. Identifiers: Orphanet 140162, MedGen C0027672, MeSH D009386, MONDO:0015356.

Submissions (2):

Ambry Genetics
Classification: Uncertain significance for Hereditary cancer-predisposing syndrome. Last evaluated: 2026-02-17. Review status: criteria provided, single submitter. Criteria: Ambry Variant Classification Scheme 2023. Collection method: clinical testing. Allele origin: germline.
Comment: The p.E205K variant (also known as c.613G>A), located in coding exon 1 of the AXIN2 gene, results from a G to A substitution at nucleotide position 613. The glutamic acid at codon 205 is replaced by lysine, an amino acid with similar properties. This amino acid position is conserved. In addition, this alteration is predicted to be deleterious by in silico analysis. Based on the available evidence, the clinical significance of this variant remains unclear.

Labcorp Genetics (formerly Invitae), Labcorp
Classification: Uncertain significance for Oligodontia-cancer predisposition syndrome. Last evaluated: 2025-02-09. Review status: criteria provided, single submitter. Criteria: Invitae Variant Classification Sherloc (09022015). Collection method: clinical testing. Allele origin: germline.
Comment: This sequence change replaces glutamic acid, which is acidic and polar, with lysine, which is basic and polar, at codon 205 of the AXIN2 protein (p.Glu205Lys). This variant is not present in population databases (gnomAD no frequency). This variant has not been reported in the literature in individuals affected with AXIN2-related conditions. ClinVar contains an entry for this variant (Variation ID: 2786249). Invitae Evidence Modeling of protein sequence and biophysical properties (such as structural, functional, and spatial information, amino acid conservation, physicochemical variation, residue mobility, and thermodynamic stability) indicates that this missense variant is expected to disrupt AXIN2 protein function with a positive predictive value of 80%. In summary, the available evidence is currently insufficient to determine the role of this variant in disease. Therefore, it has been classified as a Variant of Uncertain Significance.

NM_004655.4(AXIN2):c.613G>A (p.Glu205Lys)

Gene: AXIN2 (axin 2; minus strand). Cytogenetic location: 17q24.1.
Variant type: single nucleotide variant.
Coding change: c.613G>A on transcript NM_004655.4 (MANE Select); coding-DNA position 613, G replaced by A.
Protein change: p.Glu205Lys; replaces glutamic acid 205 with lysine.
Molecular consequence: missense variant.
Genome position (GRCh38, 1-based): chr17:65,558,008, C>T on the plus strand (G>A on the coding strand, the complement: AXIN2 is on the minus strand). VCF-style: chr17-65558008-C-T. GRCh37 (hg19) VCF-style: chr17-63554126-C-T.
Other names: c.613G>A, p.Glu205Lys (NM_001363813.1); short protein forms E205K.
Identifiers: ClinVar variation 2786249 (VCV002786249.4), dbSNP rs2144583972, ClinGen allele CA400680681.